The following is an entry in ClinVar:

ClinVar aggregate classification (germline): Pathogenic. Review status: criteria provided, multiple submitters, no conflicts (2 of 4 stars). 2 submissions from 2 submitters: Pathogenic (2). Last evaluated 2025-02-13.

Conditions:
Thyroid dyshormonogenesis 6 (TDH6). Also called: Genetic transient congenital hypothyroidism; HYPOTHYROIDISM, CONGENITAL, DUE TO DYSHORMONOGENESIS, 6; THYROID HORMONOGENESIS, GENETIC DEFECT IN, 6. Identifiers: Orphanet 226316, Orphanet 95716, MedGen C1846632, MONDO:0011792, OMIM 607200.

Submissions (2):

Labcorp Genetics (formerly Invitae), Labcorp
Classification: Pathogenic. Last evaluated: 2025-02-13. Review status: criteria provided, single submitter. Criteria: Invitae Variant Classification Sherloc (09022015). Collection method: clinical testing. Allele origin: germline.
Comment: This sequence change creates a premature translational stop signal (p.Val1045Glyfs*76) in the DUOX2 gene. It is expected to result in an absent or disrupted protein product. Loss-of-function variants in DUOX2 are known to be pathogenic (PMID: 12110737, 18765513, 21565790, 24423310, 24735383). This variant is not present in population databases (gnomAD no frequency). This variant has not been reported in the literature in individuals affected with DUOX2-related conditions. For these reasons, this variant has been classified as Pathogenic.

Genetics and Molecular Pathology, SA Pathology
Classification: Pathogenic for Thyroid dyshormonogenesis 6. Last evaluated: 2023-03-24. Review status: criteria provided, single submitter. Criteria: ACMG Guidelines, 2015. Collection method: clinical testing. Allele origin: germline. Inheritance: Autosomal recessive inheritance. Affected: yes.
Comment: The DUOX2 c.3134_3135del variant is classified as Pathogenic (PVS1, PM2, PM3_supporting) This DUOX2 c.3134_3135del variant is located in exon 24/34 and is predicted to cause a shift in the reading frame at codon 1045 resulting in the introduction of a premature termination codon 76 amino acids downstream (PVS1). The variant is rare in population databases (gnomAD allele frequency = 0.00065%; 1 het and 0 hom in 152232 sequenced alleles; highest frequency = 0.0014%, Non-Finnish European population) (PM2). This variant has been detected in conjunction with a pathogenic DUOX2 variant (phase unknown) (PM3_supporting). The variant has been reported in dbSNP (rs749552242). It has not been reported in ClinVar or HGMD.

Literature cited by the submitters: PubMed 12110737 (cited by Labcorp Genetics (formerly Invitae), Labcorp); PubMed 18765513 (cited by Labcorp Genetics (formerly Invitae), Labcorp); PubMed 21565790 (cited by Labcorp Genetics (formerly Invitae), Labcorp); PubMed 24423310 (cited by Labcorp Genetics (formerly Invitae), Labcorp); PubMed 24735383 (cited by Labcorp Genetics (formerly Invitae), Labcorp).

NM_001363711.2(DUOX2):c.3134_3135del (p.Val1045fs)

Gene: DUOX2 (dual oxidase 2; minus strand). Cytogenetic location: 15q21.1.
Variant type: Microsatellite.
Coding change: c.3134_3135del on transcript NM_001363711.2 (MANE Select); coding-DNA positions 3134 to 3135, 2 bases deleted (TG; older notation c.3134_3135delTG).
Protein change: p.Val1045fs; shifts the reading frame from valine 1045.
Molecular consequence: frameshift variant.
Genome position (GRCh38, 1-based): chr15:45,100,099-45,100,100, CA deleted on the plus strand (TG on the coding strand, the reverse complement: DUOX2 is on the minus strand); deleting any 2 consecutive bases within chr15:45,100,099-45,100,107 gives the same sequence; the c. name uses the placement nearest the transcript's 3' end. VCF-style (leftmost placement, unchanged base first): chr15-45100098-CCA-C. GRCh37 (hg19) VCF-style: chr15-45392296-CCA-C.
Other names: c.3134_3135del, p.Val1045fs (NM_014080.5); c.3134_3135delTG (NM_001363711.2); short protein forms V1045fs.
Identifiers: ClinVar variation 1956595 (VCV001956595.5), dbSNP rs749552242, ClinGen allele CA7538000.